The following is an entry in ClinVar:

ClinVar aggregate classification (germline): Pathogenic (1 of 4 stars; one submission).

Conditions:
Mucopolysaccharidosis, MPS-II (MPS2). Also called: Attenuated MPS (subtype; formerly known as mild MPS II); Severe MPS II; I2S deficiency; MPS 2; Hunter Syndrome; IDURONATE 2-SULFATASE DEFICIENCY. Identifiers: Orphanet 580, Orphanet 79388, MedGen C0026705, MONDO:0010674, OMIM 309900.

Submission:

Labcorp Genetics (formerly Invitae), Labcorp
Classification: Pathogenic for Mucopolysaccharidosis, MPS-II. Last evaluated: 2022-11-29. Review status: criteria provided, single submitter. Criteria: Invitae Variant Classification Sherloc (09022015). Collection method: clinical testing. Allele origin: germline.
Comment: This variant has not been reported in the literature in individuals affected with IDS-related conditions. For these reasons, this variant has been classified as Pathogenic. This variant is not present in population databases (gnomAD no frequency). This sequence change creates a premature translational stop signal (p.Leu11Serfs*36) in the IDS gene. It is expected to result in an absent or disrupted protein product. Loss-of-function variants in IDS are known to be pathogenic (PMID: 8940265, 9875019).

Literature cited by the submitters: PubMed 8940265; PubMed 9875019.

NM_000202.8(IDS):c.30dup (p.Leu11fs)

Genes: IDS (iduronate 2-sulfatase; minus strand), LOC130068781 (ATAC-STARR-seq lymphoblastoid active region 30015; plus strand). Cytogenetic location: Xq28.
Variant type: Duplication.
Coding change: c.30dup on transcript NM_000202.8 (MANE Select); coding-DNA position 30, one base duplicated (T; older notation c.30dupT).
Protein change: p.Leu11fs; shifts the reading frame from leucine 11.
Molecular consequence: frameshift variant. On other transcripts: 5 prime UTR variant (1), non-coding transcript variant (1).
Genome position (GRCh38, 1-based): chrX:149,505,108, A duplicated on the plus strand (T on the coding strand, the reverse complement: IDS is on the minus strand); the first of 2 consecutive A bases (chrX:149,505,108-149,505,109); duplicating either gives the same sequence. VCF-style (leftmost placement, unchanged base first): chrX-149505107-G-GA. GRCh37 (hg19) VCF-style: chrX-148586637-G-GA.
Other names: c.-197dup (NM_001166550.4); c.30dup, p.Leu11fs (NM_006123.5); short protein forms L11fs.
Identifiers: ClinVar variation 2817422 (VCV002817422.3), dbSNP rs2520910813, ClinGen allele CA2739273800.
Genomic context (GRCh38, chrX:149,505,107, plus strand): 5'-TGGCCTGCGTTTCGGATCCGAGGGCGACGCAGACGGAGCTCAGAACCAGACCCAGCCAGA[G>GA]AAGGCCTCGGCCGGTCCGGGGTGGCGGCATTTCGGCTTCGACGCGGCCGCTTCAGAGCGG-3'